The following is an entry in ClinVar:

NM_014806.5(RUSC2):c.3909_3911del (p.Lys1304del)

Gene: RUSC2 (RUN and SH3 domain containing 2; plus strand). Cytogenetic location: 9p13.3.
Variant type: Deletion.
Coding change: c.3909_3911del on transcript NM_014806.5 (MANE Select); coding-DNA positions 3909 to 3911, 3 bases deleted (GAA; older notation c.3909_3911delGAA).
Protein change: p.Lys1304del; deletes lysine 1304.
Molecular consequence: inframe deletion. On other transcripts: non-coding transcript variant (1).
Genome position (GRCh38, 1-based): chr9:35,560,549-35,560,551, GAA deleted; deleting any 3 consecutive bases within chr9:35,560,547-35,560,551 gives the same sequence; the c. name uses the placement nearest the transcript's 3' end. VCF-style (leftmost placement, unchanged base first): chr9-35560546-AAAG-A. GRCh37 (hg19) VCF-style: chr9-35560543-AAAG-A.
Other names: c.3909_3911del, p.Lys1304del (NM_001135999.2); c.1275_1277del, p.Lys426del (NM_001330740.2); short protein forms K1304del, K426del.
Identifiers: ClinVar variation 2072026 (VCV002072026.1), dbSNP rs760758485, ClinGen allele CA5044266.

ClinVar aggregate classification (germline): Uncertain significance (1 of 4 stars; one submission).

Submission:

Labcorp Genetics (formerly Invitae), Labcorp
Classification: Uncertain significance. Last evaluated: 2022-06-28. Review status: criteria provided, single submitter. Criteria: Invitae Variant Classification Sherloc (09022015). Collection method: clinical testing. Allele origin: germline.
Comment: This variant, c.3909_3911del, results in the deletion of 1 amino acid(s) of the RUSC2 protein (p.Lys1304del), but otherwise preserves the integrity of the reading frame. This variant is present in population databases (rs760758485, gnomAD 0.003%). This variant has not been reported in the literature in individuals affected with RUSC2-related conditions. Experimental studies and prediction algorithms are not available or were not evaluated, and the functional significance of this variant is currently unknown. In summary, the available evidence is currently insufficient to determine the role of this variant in disease. Therefore, it has been classified as a Variant of Uncertain Significance.